The following is an entry in ClinVar:

NM_001017980.4(VMA21):c.127G>T (p.Gly43Trp)

Gene: VMA21 (vacuolar ATPase assembly factor VMA21; plus strand). Cytogenetic location: Xq28.
Variant type: single nucleotide variant.
Coding change: c.127G>T on transcript NM_001017980.4 (MANE Select); coding-DNA position 127, G replaced by T.
Protein change: p.Gly43Trp; replaces glycine 43 with tryptophan.
Molecular consequence: missense variant.
Genome position (GRCh38, 1-based): chrX:151,403,704, G>T. VCF-style: chrX-151403704-G-T. GRCh37 (hg19) VCF-style: chrX-150572176-G-T.
Other names: c.292G>T, p.Gly98Trp (NM_001363810.1); short protein forms G98W, G43W.
Identifiers: ClinVar variation 1383222 (VCV001383222.7), dbSNP rs1246363659, ClinGen allele CA415271026.

ClinVar aggregate classification (germline): Uncertain significance (1 of 4 stars; one submission).

Conditions:
X-linked myopathy with excessive autophagy (AVM). Also called: Vacuolar myopathy; Autophagic vacuolar myopathy. Identifiers: Orphanet 25980, MedGen C1839615, MONDO:0010684, OMIM 310440.

Allele frequency attached by ClinVar (database versions not stated): gnomAD exomes below 0.00001 and 0.00001.
gnomAD v4.1: 1 of 1,207,805 alleles (0.000083%); highest among the groups gnomAD compares: Non-Finnish European, 0.00011%; no homozygotes.

Submission:

Labcorp Genetics (formerly Invitae), Labcorp
Classification: Uncertain significance for X-linked myopathy with excessive autophagy. Last evaluated: 2022-06-30. Review status: criteria provided, single submitter. Criteria: Invitae Variant Classification Sherloc (09022015). Collection method: clinical testing. Allele origin: germline.
Comment: ClinVar contains an entry for this variant (Variation ID: 1383222). This variant has not been reported in the literature in individuals affected with VMA21-related conditions. The frequency data for this variant in the population databases is considered unreliable, as metrics indicate poor data quality at this position in the gnomAD database. This sequence change replaces glycine, which is neutral and non-polar, with tryptophan, which is neutral and slightly polar, at codon 43 of the VMA21 protein (p.Gly43Trp). Algorithms developed to predict the effect of missense changes on protein structure and function are either unavailable or do not agree on the potential impact of this missense change (SIFT: "Not Available"; PolyPhen-2: "Probably Damaging"; Align-GVGD: "Not Available"). In summary, the available evidence is currently insufficient to determine the role of this variant in disease. Therefore, it has been classified as a Variant of Uncertain Significance.